The following is an entry in ClinVar:

NM_015910.7(WDPCP):c.1730T>G (p.Phe577Cys)

Gene: WDPCP (WD repeat containing planar cell polarity effector; minus strand). Cytogenetic location: 2p15.
Variant type: single nucleotide variant.
Coding change: c.1730T>G on transcript NM_015910.7 (MANE Select); coding-DNA position 1730, T replaced by G.
Protein change: p.Phe577Cys; replaces phenylalanine 577 with cysteine.
Molecular consequence: missense variant. On other transcripts: non-coding transcript variant (3).
Genome position (GRCh38, 1-based): chr2:63,378,404, A>C on the plus strand (T>G on the coding strand, the complement: WDPCP is on the minus strand). VCF-style: chr2-63378404-A-C. GRCh37 (hg19) VCF-style: chr2-63605539-A-C.
Other names: c.1253T>G, p.Phe418Cys (NM_001042692.3); c.1658T>G, p.Phe553Cys (NM_001354044.2); c.1730T>G, p.Phe577Cys (NM_001354045.2); short protein forms F418C, F577C, F553C.
Identifiers: ClinVar variation 1427594 (VCV001427594.9), dbSNP rs1439554090, ClinGen allele CA347062816.

ClinVar aggregate classification (germline): Uncertain significance (1 of 4 stars; one submission).

Conditions:
Bardet-Biedl syndrome (BBS). Identifiers: Orphanet 110, MedGen C0752166, MONDO:0015229.

Allele frequency attached by ClinVar (database versions not stated): gnomAD exomes below 0.00001; gnomAD 0.00001; TOPMed 0.00002.
gnomAD v4.1: 7 of 1,613,000 alleles (0.00043%); highest among the groups gnomAD compares: South Asian, 0.0011%; no homozygotes.

Submission:

Labcorp Genetics (formerly Invitae), Labcorp
Classification: Uncertain significance for Bardet-Biedl syndrome. Last evaluated: 2022-07-12. Review status: criteria provided, single submitter. Criteria: Invitae Variant Classification Sherloc (09022015). Collection method: clinical testing. Allele origin: germline.
Comment: This variant is present in population databases (no rsID available, gnomAD 0.004%). This sequence change replaces phenylalanine, which is neutral and non-polar, with cysteine, which is neutral and slightly polar, at codon 577 of the WDPCP protein (p.Phe577Cys). This variant has not been reported in the literature in individuals affected with WDPCP-related conditions. ClinVar contains an entry for this variant (Variation ID: 1427594). Algorithms developed to predict the effect of missense changes on protein structure and function (SIFT, PolyPhen-2, Align-GVGD) all suggest that this variant is likely to be disruptive. In summary, the available evidence is currently insufficient to determine the role of this variant in disease. Therefore, it has been classified as a Variant of Uncertain Significance.